The following is an entry in ClinVar:

ClinVar aggregate classification (germline): Pathogenic/Likely pathogenic. Review status: criteria provided, multiple submitters, no conflicts (2 of 4 stars). 3 submissions from 3 submitters: Pathogenic (1); Likely pathogenic (2). Last evaluated 2025-03-17.

Conditions:
LRBA-related disorder. Also called: LRBA-related condition.
Combined immunodeficiency due to LRBA deficiency. Also called: Common variable immunodeficiency 8, with autoimmunity. Identifiers: Orphanet 445018, MedGen C3553512, MONDO:0013863, OMIM 614700.

Allele frequency attached by ClinVar (database versions not stated): gnomAD 0.00001.

Submissions (3):

Labcorp Genetics (formerly Invitae), Labcorp
Classification: Pathogenic for Combined immunodeficiency due to LRBA deficiency. Last evaluated: 2025-03-17. Review status: criteria provided, single submitter. Criteria: Invitae Variant Classification Sherloc (09022015). Collection method: clinical testing. Allele origin: germline.
Comment: This sequence change creates a premature translational stop signal (p.Ser348*) in the LRBA gene. It is expected to result in an absent or disrupted protein product. Loss-of-function variants in LRBA are known to be pathogenic (PMID: 26206937, 26768763). This variant is not present in population databases (gnomAD no frequency). This variant has not been reported in the literature in individuals affected with LRBA-related conditions. ClinVar contains an entry for this variant (Variation ID: 439866). For these reasons, this variant has been classified as Pathogenic.

Blueprint Genetics
Classification: Likely pathogenic for LRBA-related disorders. Last evaluated: 2022-04-29. Review status: criteria provided, single submitter. Criteria: ACMG Guidelines, 2015. Collection method: clinical testing. Allele origin: germline. Affected: yes. Observed: 1 variant allele.

ARUP Laboratories, Molecular Genetics and Genomics, ARUP Laboratories
Classification: Likely pathogenic. Last evaluated: 2016-10-11. Review status: criteria provided, single submitter. Criteria: ARUP Molecular Germline Variant Investigation Process. Collection method: clinical testing. Allele origin: germline.

Literature cited by the submitters: PubMed 26206937 (cited by Labcorp Genetics (formerly Invitae), Labcorp); PubMed 26768763 (cited by Labcorp Genetics (formerly Invitae), Labcorp).

NM_001364905.1(LRBA):c.1043C>G (p.Ser348Ter)

Gene: LRBA (LPS responsive beige-like anchor protein; minus strand). Cytogenetic location: 4q31.3.
Variant type: single nucleotide variant.
Coding change: c.1043C>G on transcript NM_001364905.1 (MANE Select); coding-DNA position 1043, C replaced by G.
Protein change: p.Ser348Ter; replaces serine 348 with a stop codon.
Molecular consequence: nonsense.
Genome position (GRCh38, 1-based): chr4:150,914,313, G>C on the plus strand (C>G on the coding strand, the complement: LRBA is on the minus strand). VCF-style: chr4-150914313-G-C. GRCh37 (hg19) VCF-style: chr4-151835465-G-C.
Other names: c.1043C>G, p.Ser348Ter (NM_001199282.3, NM_001367550.1, NM_006726.5); short protein forms S348*.
Identifiers: ClinVar variation 439866 (VCV000439866.11), dbSNP rs1192554889, ClinGen allele CA358435742.